The following is an entry in ClinVar:

ClinVar aggregate classification (germline): Pathogenic (1 of 4 stars; one submission).

Submission:

Labcorp Genetics (formerly Invitae), Labcorp
Classification: Pathogenic. Last evaluated: 2025-08-15. Review status: criteria provided, single submitter. Criteria: Invitae Variant Classification Sherloc (09022015). Collection method: clinical testing. Allele origin: germline.
Comment: This sequence change creates a premature translational stop signal (p.Gln429*) in the WHRN gene. It is expected to result in an absent or disrupted protein product. Loss-of-function variants in WHRN are known to be pathogenic (PMID: 12833159, 15841483, 22147658). This variant is not present in population databases (gnomAD no frequency). This variant has not been reported in the literature in individuals affected with WHRN-related conditions. For these reasons, this variant has been classified as Pathogenic.

Literature cited by the submitters: PubMed 12833159; PubMed 15841483; PubMed 22147658.

NM_015404.4(WHRN):c.1285C>T (p.Gln429Ter)

Gene: WHRN (whirlin; minus strand). Cytogenetic location: 9q32.
Variant type: single nucleotide variant.
Coding change: c.1285C>T on transcript NM_015404.4 (MANE Select); coding-DNA position 1285, C replaced by T.
Protein change: p.Gln429Ter; replaces glutamine 429 with a stop codon.
Molecular consequence: nonsense.
Genome position (GRCh38, 1-based): chr9:114,424,465, G>A on the plus strand (C>T on the coding strand, the complement: WHRN is on the minus strand). VCF-style: chr9-114424465-G-A. GRCh37 (hg19) VCF-style: chr9-117186745-G-A.
Other names: c.136C>T, p.Gln46Ter (NM_001083885.3); c.1285C>T, p.Gln429Ter (NM_001173425.2); c.232C>T, p.Gln78Ter (NM_001346890.1); short protein forms Q429*, Q78*, Q46*.
Identifiers: ClinVar variation 4768158 (VCV004768158.1).